The following is an entry in ClinVar:

ClinVar aggregate classification (germline): Benign (1 of 4 stars; one submission).

Conditions:
Ceroid lipofuscinosis, neuronal, 4 (Kufs type) (CLN4). Also called: Neuronal ceroid lipofuscinosis 4B; Ceroid lipofuscinosis, neuronal, 4, Parry type. Identifiers: Orphanet 228343, Orphanet 79262, MedGen C1834207, MONDO:0008083, OMIM 162350.

Allele frequency attached by ClinVar (database versions not stated): 1000 Genomes Project 0.00479; 1000 Genomes Project 30x 0.00484; gnomAD exomes 0.00700; TOPMed 0.00914; gnomAD 0.00982 and 0.01026.
gnomAD v4.1: 1,531 of 152,996 alleles (1%); highest among the groups gnomAD compares: Non-Finnish European, 1.5%; 8 homozygotes.

Submission:

Illumina Laboratory Services, Illumina
Classification: Benign for Ceroid lipofuscinosis, neuronal, 4 (Kufs type). Last evaluated: 2018-01-13. Review status: criteria provided, single submitter. Criteria: ICSL Variant Classification Criteria 13 December 2019. Collection method: clinical testing. Allele origin: germline.
Comment: This variant was observed in the ICSL laboratory as part of a predisposition screen in an ostensibly healthy population. It had not been previously curated by ICSL or reported in the Human Gene Mutation Database (HGMD: prior to June 1st, 2018), and was therefore a candidate for classification through an automated scoring system. Utilizing variant allele frequency, disease prevalence and penetrance estimates, and inheritance mode, an automated score was calculated to assess if this variant is too frequent to cause the disease. Based on the score and internal cut-off values, a variant classified as benign is not then subjected to further curation. The score for this variant resulted in a classification of benign for this disease.

NM_025219.3(DNAJC5):c.*895C>G

Gene: DNAJC5 (DnaJ heat shock protein family (Hsp40) member C5; plus strand). Cytogenetic location: 20q13.33.
Variant type: single nucleotide variant.
Coding change: c.*895C>G on transcript NM_025219.3 (MANE Select); 895 bases downstream of the stop codon, C replaced by G.
Molecular consequence: 3 prime UTR variant.
Genome position (GRCh38, 1-based): chr20:63,932,463, C>G. VCF-style: chr20-63932463-C-G. GRCh37 (hg19) VCF-style: chr20-62563816-C-G.
Identifiers: ClinVar variation 339377 (VCV000339377.6), dbSNP rs1064345, ClinGen allele CA10650200.